The following is an entry in ClinVar:

ClinVar aggregate classification (germline): Conflicting classifications of pathogenicity. Review status: criteria provided, conflicting classifications (1 of 4 stars). 6 submissions from 6 submitters: Uncertain significance (1); Benign (2); Likely benign (2). 1 of the submissions does not count toward it. Last evaluated 2026-10-01.

Conditions:
KMT2D-related disorder. Also called: KMT2D-Related Disorders.
Kabuki syndrome. Also called: NIIKAWA-KUROKI SYNDROME; Kabuki make-up syndrome. Identifiers: Orphanet 2322, MedGen C0796004, MONDO:0016512.

Allele frequency attached by ClinVar (database versions not stated): 1000 Genomes Project 30x 0.00047; ExAC 0.00059; 1000 Genomes Project 0.00060; gnomAD exomes 0.00065; ESP Exome Variant Server 0.00102; gnomAD 0.00106; TOPMed 0.00149.

Submissions (6):

CeGaT Center for Human Genetics Tuebingen
Classification: Likely benign. Last evaluated: 2026-10-01. Review status: criteria provided, single submitter. Criteria: CeGaT Center For Human Genetics Tuebingen Variant Classification Criteria Version 2. Collection method: clinical testing. Allele origin: germline. Affected: yes. Observed: 9 variant alleles.
Comment: KMT2D: BP4, BP7, BS1

Labcorp Genetics (formerly Invitae), Labcorp
Classification: Benign for Kabuki syndrome. Last evaluated: 2026-02-01. Review status: criteria provided, single submitter. Criteria: Invitae Variant Classification Sherloc (09022015). Collection method: clinical testing. Allele origin: germline.

Blueprint Genetics
Classification: Likely benign. Last evaluated: 2024-11-15. Review status: criteria provided, single submitter. Criteria: ACMG Guidelines, 2015. Collection method: clinical testing. Allele origin: germline.

GeneDx
Classification: Benign. Last evaluated: 2019-10-11. Review status: criteria provided, single submitter. Criteria: GeneDx Variant Classification Process June 2021. Collection method: clinical testing. Allele origin: germline. Affected: yes.

Eurofins Ntd Llc (ga)
Classification: Uncertain significance. Last evaluated: 2013-02-22. Review status: criteria provided, single submitter. Criteria: EGL Classification Definitions 2015. Collection method: clinical testing. Allele origin: germline. Observed: 1 variant allele, 1 heterozygote.

PreventionGenetics, part of Exact Sciences
Classification: Likely benign for KMT2D-related condition. Last evaluated: 2021-04-14. Review status: no assertion criteria provided. Collection method: clinical testing. Allele origin: germline. Not counted in ClinVar's aggregate classification.
Comment: This variant is classified as likely benign based on ACMG/AMP sequence variant interpretation guidelines (Richards et al. 2015 PMID: 25741868, with internal and published modifications).

NM_003482.4(KMT2D):c.1797G>A (p.Leu599=)

Gene: KMT2D (lysine methyltransferase 2D; minus strand). Cytogenetic location: 12q13.12.
Variant type: single nucleotide variant.
Coding change: c.1797G>A on transcript NM_003482.4 (MANE Select); coding-DNA position 1797, G replaced by A.
Protein change: p.Leu599=; no amino-acid change (leucine 599 retained).
Molecular consequence: synonymous variant.
Genome position (GRCh38, 1-based): chr12:49,051,886, C>T on the plus strand (G>A on the coding strand, the complement: KMT2D is on the minus strand). VCF-style: chr12-49051886-C-T. GRCh37 (hg19) VCF-style: chr12-49445669-C-T.
Identifiers: ClinVar variation 94194 (VCV000094194.45), dbSNP rs113282510, ClinGen allele CA222047.